The following is an entry in ClinVar:

NM_022489.4(INF2):c.2587G>T (p.Glu863Ter)

Gene: INF2 (inverted formin 2; plus strand). Cytogenetic location: 14q32.33.
Variant type: single nucleotide variant.
Coding change: c.2587G>T on transcript NM_022489.4 (MANE Select); coding-DNA position 2587, G replaced by T.
Protein change: p.Glu863Ter; replaces glutamic acid 863 with a stop codon.
Molecular consequence: nonsense.
Genome position (GRCh38, 1-based): chr14:104,712,530, G>T. VCF-style: chr14-104712530-G-T. GRCh37 (hg19) VCF-style: chr14-105178867-G-T.
Other names: c.2587G>T, p.Glu863Ter (NM_001031714.4); short protein forms E863*.
Identifiers: ClinVar variation 988121 (VCV000988121.1), dbSNP rs1890103037, ClinGen allele CA391221943.

ClinVar aggregate classification (germline): Uncertain significance (0 of 4 stars; one submission).

Conditions:
Nephrotic syndrome. Identifiers: MedGen C0027726, MONDO:0005377, HP:0000100.

Submission:

Sydney Genome Diagnostics, Children's Hospital Westmead
Classification: Uncertain significance for Nephrotic syndrome. Last evaluated: 2018-02-14. Review status: no assertion criteria provided. Collection method: clinical testing. Allele origin: unknown. Affected: yes. Observed: 1 variant allele, 1 heterozygote.
Comment: This variant creates a premature stop codon p.(Glu863*) and may result in a null allele due to nonsense-mediated mRNA decay. The variant has not been reported in any population databases (i.e. ExAC, ESP or dbSNP). To our knowledge, this variant has not been previously reported in the literature or any disease specific databases. Variants in the INF2 gene that are associated with disease are predominantly missense variants. Loss of function variants, such as a nonsense variant like c.2587G>T, have not been reported as being associated with disease and therefore haplo-insufficiency may not be a mechanism for disease. This variant is considered to be a variant of uncertain clinical significance (VOUS) according to the ACMG guidelines.